The following is an entry in ClinVar:

NM_000065.5(C6):c.1600C>T (p.Leu534Phe)

Gene: C6 (complement C6; minus strand). Cytogenetic location: 5p13.1.
Variant type: single nucleotide variant.
Coding change: c.1600C>T on transcript NM_000065.5 (MANE Select); coding-DNA position 1600, C replaced by T.
Protein change: p.Leu534Phe; replaces leucine 534 with phenylalanine.
Molecular consequence: missense variant.
Genome position (GRCh38, 1-based): chr5:41,160,226, G>A on the plus strand (C>T on the coding strand, the complement: C6 is on the minus strand). VCF-style: chr5-41160226-G-A. GRCh37 (hg19) VCF-style: chr5-41160328-G-A.
Other names: c.1600C>T, p.Leu534Phe (NM_001115131.4); short protein forms L534F.
Identifiers: ClinVar variation 2316223 (VCV002316223.4), dbSNP rs146667042, ClinGen allele CA3252408.

ClinVar aggregate classification (germline): Uncertain significance. Review status: criteria provided, multiple submitters, no conflicts (2 of 4 stars). 2 submissions from 2 submitters: Uncertain significance (2). Last evaluated 2025-01-17.

Conditions:
Inborn genetic diseases. Identifiers: MedGen C0950123, MeSH D030342.

Allele frequency attached by ClinVar (database versions not stated): gnomAD 0.00001; gnomAD exomes 0.00002; TOPMed 0.00002; ExAC 0.00003; ESP Exome Variant Server 0.00008.
gnomAD v4.1: 26 of 1,613,788 alleles (0.0016%); highest among the groups gnomAD compares: East Asian, 0.0022%; no homozygotes.

Submissions (2):

Labcorp Genetics (formerly Invitae), Labcorp
Classification: Uncertain significance. Last evaluated: 2025-01-17. Review status: criteria provided, single submitter. Criteria: Invitae Variant Classification Sherloc (09022015). Collection method: clinical testing. Allele origin: germline.
Comment: This sequence change replaces leucine, which is neutral and non-polar, with phenylalanine, which is neutral and non-polar, at codon 534 of the C6 protein (p.Leu534Phe). This variant is present in population databases (rs146667042, gnomAD 0.006%). This variant has not been reported in the literature in individuals affected with C6-related conditions. ClinVar contains an entry for this variant (Variation ID: 2316223). An algorithm developed to predict the effect of missense changes on protein structure and function (PolyPhen-2) suggests that this variant is likely to be disruptive. In summary, the available evidence is currently insufficient to determine the role of this variant in disease. Therefore, it has been classified as a Variant of Uncertain Significance.

Ambry Genetics
Classification: Uncertain significance for Inborn genetic diseases. Last evaluated: 2022-10-04. Review status: criteria provided, single submitter. Criteria: Ambry Variant Classification Scheme 2023. Collection method: clinical testing. Allele origin: germline.